The following is an entry in ClinVar:

ClinVar aggregate classification (germline): Pathogenic (1 of 4 stars; one submission).

Conditions:
Arterial calcification, generalized, of infancy, 2. Identifiers: Orphanet 51608, MedGen C3276161, MONDO:0013768, OMIM 614473.

Submission:

Victorian Clinical Genetics Services, Murdoch Childrens Research Institute
Classification: Pathogenic for Arterial calcification, generalized, of infancy, 2. Last evaluated: 2018-04-19. Review status: criteria provided, single submitter. Criteria: ACMG Guidelines, 2015. Collection method: clinical testing. Allele origin: maternal. Affected: yes. Observed: 2 variant alleles.
Comment: This heterozygous microdeletion involves exons 23-28 of the ABCC6 gene. Homozygous and compound heterozygous variants and deletions of this gene are associated with Generalized Arterial Calcification of Infancy (GACI GeneReviews PMID: 25392903).

GRCh37/hg19 16p13.11(chr16:16248791-16260443)

Gene: ABCC6 (ATP binding cassette subfamily C member 6; minus strand). Cytogenetic location: 16p13.11.
Variant type: copy number loss.
Identifiers: ClinVar variation 870399 (VCV000870399.2).